The following is an entry in ClinVar:

NM_016292.3(TRAP1):c.1223G>T (p.Ser408Ile)

Gene: TRAP1 (TNF receptor associated protein 1; minus strand). Cytogenetic location: 16p13.3.
Variant type: single nucleotide variant.
Coding change: c.1223G>T on transcript NM_016292.3 (MANE Select); coding-DNA position 1223, G replaced by T.
Protein change: p.Ser408Ile; replaces serine 408 with isoleucine.
Molecular consequence: missense variant.
Genome position (GRCh38, 1-based): chr16:3,671,734, C>A on the plus strand (G>T on the coding strand, the complement: TRAP1 is on the minus strand). VCF-style: chr16-3671734-C-A. GRCh37 (hg19) VCF-style: chr16-3721735-C-A.
Other names: c.1064G>T, p.Ser355Ile (NM_001272049.2); short protein forms S355I, S408I.
Identifiers: ClinVar variation 3615998 (VCV003615998.2).
Genomic context (GRCh38, chr16:3,671,734, plus strand): 5'-AGGGGCCTTGTCCCCAGCAGGGTCCTCTCCCCGCGGCCCGAGGCTCACCTGATGAGTGCG[C>A]TCTCCTGCAGCAGCTCCCGGCTGAGGTTCAGGGGAATGTCCTCACTGTCCACCACACCTG-3'
Protein context (NP_057376.2, residues 398-418): LNLSRELLQE[Ser408Ile]ALIRKLRDVL

ClinVar aggregate classification (germline): Uncertain significance (1 of 4 stars; one submission).

gnomAD v4.1: 1 of 1,613,082 alleles (0.000062%); highest among the groups gnomAD compares: East Asian, 0.0022%; no homozygotes.

Submission:

Labcorp Genetics (formerly Invitae), Labcorp
Classification: Uncertain significance. Last evaluated: 2024-06-13. Review status: criteria provided, single submitter. Criteria: Invitae Variant Classification Sherloc (09022015). Collection method: clinical testing. Allele origin: germline.
Comment: This sequence change replaces serine, which is neutral and polar, with isoleucine, which is neutral and non-polar, at codon 408 of the TRAP1 protein (p.Ser408Ile). This variant is not present in population databases (gnomAD no frequency). This variant has not been reported in the literature in individuals affected with TRAP1-related conditions. Advanced modeling of protein sequence and biophysical properties (such as structural, functional, and spatial information, amino acid conservation, physicochemical variation, residue mobility, and thermodynamic stability) performed at Invitae indicates that this missense variant is expected to disrupt TRAP1 protein function with a positive predictive value of 80%. In summary, the available evidence is currently insufficient to determine the role of this variant in disease. Therefore, it has been classified as a Variant of Uncertain Significance.